The following is an entry in ClinVar:

ClinVar aggregate classification (germline): Uncertain significance (1 of 4 stars; one submission).

Conditions:
Drash syndrome (DDS). Also called: NEPHROPATHY, WILMS TUMOR, AND GENITAL ANOMALIES; WILMS TUMOR AND PSEUDO- OR TRUE HERMAPHRODITISM. Identifiers: Orphanet 220, MedGen C0950121, MONDO:0008682, OMIM 194080.
Frasier syndrome. Identifiers: Orphanet 347, MedGen C0950122, MeSH D052159, MONDO:0007635, OMIM 136680.
Wilms tumor 1 (WT1). Also called: Wilms tumor, somatic. Identifiers: Orphanet 654, MedGen CN033288, MONDO:0008679, OMIM 194070.
11p partial monosomy syndrome (WAGR). Also called: WAGR Spectrum Disorder; CHROMOSOME 11p13 DELETION SYNDROME; WAGR Complex; WAGR syndrome. Identifiers: Orphanet 893, MedGen C0206115, MONDO:0008681, OMIM 194072.

Submission:

Labcorp Genetics (formerly Invitae), Labcorp
Classification: Uncertain significance for Wilms tumor 1; Drash syndrome; 11p partial monosomy syndrome; Frasier syndrome. Last evaluated: 2019-03-22. Review status: criteria provided, single submitter. Criteria: Invitae Variant Classification Sherloc (09022015). Collection method: clinical testing. Allele origin: germline.
Comment: In summary, the available evidence is currently insufficient to determine the role of this variant in disease. Therefore, it has been classified as a Variant of Uncertain Significance. Algorithms developed to predict the effect of missense changes on protein structure and function output the following: SIFT: "Deleterious"; PolyPhen-2: "Benign"; Align-GVGD: "Class C0". The histidine amino acid residue is found in multiple mammalian species, suggesting that this missense change does not adversely affect protein function. These predictions have not been confirmed by published functional studies and their clinical significance is uncertain. This variant has not been reported in the literature in individuals with WT1-related conditions. The frequency data for this variant in the population databases is considered unreliable, as metrics indicate insufficient coverage at this position in the ExAC database. This sequence change replaces arginine with histidine at codon 52 of the WT1 protein (p.Arg52His). The arginine residue is weakly conserved and there is a small physicochemical difference between arginine and histidine.

NM_024426.6(WT1):c.170G>A (p.Arg57His)

Genes: WT1 (WT1 transcription factor; minus strand), LOC107982234 (WT1/WT1-AS bi-directional promoter region; plus strand). Cytogenetic location: 11p13.
Variant type: single nucleotide variant.
Coding change: c.170G>A on transcript NM_024426.6 (MANE Select); coding-DNA position 170, G replaced by A.
Protein change: p.Arg57His; replaces arginine 57 with histidine.
Molecular consequence: missense variant. On other transcripts: non-coding transcript variant (1).
Genome position (GRCh38, 1-based): chr11:32,435,191, C>T on the plus strand (G>A on the coding strand, the complement: WT1 is on the minus strand). VCF-style: chr11-32435191-C-T. GRCh37 (hg19) VCF-style: chr11-32456737-C-T.
Other names: c.170G>A, p.Arg57His (NM_000378.6, NM_024424.5); short protein forms R57H.
Identifiers: ClinVar variation 855555 (VCV000855555.10), dbSNP rs1011628259, ClinGen allele CA379966237.